The following is an entry in ClinVar:

NM_001077653.2(TBX20):c.320A>G (p.Lys107Arg)

Gene: TBX20 (T-box transcription factor 20; minus strand). Cytogenetic location: 7p14.2.
Variant type: single nucleotide variant.
Coding change: c.320A>G on transcript NM_001077653.2 (MANE Select); coding-DNA position 320, A replaced by G.
Protein change: p.Lys107Arg; replaces lysine 107 with arginine.
Molecular consequence: missense variant.
Genome position (GRCh38, 1-based): chr7:35,250,011, T>C on the plus strand (A>G on the coding strand, the complement: TBX20 is on the minus strand). VCF-style: chr7-35250011-T-C. GRCh37 (hg19) VCF-style: chr7-35289623-T-C.
Other names: c.320A>G, p.Lys107Arg (NM_001166220.1); short protein forms K107R.
Identifiers: ClinVar variation 1728899 (VCV001728899.2), dbSNP rs2546997322, ClinGen allele CA367265017.

ClinVar aggregate classification (germline): Uncertain significance (1 of 4 stars; one submission).

Conditions:
Cardiovascular phenotype. Identifiers: MedGen CN230736.

Submission:

Ambry Genetics
Classification: Uncertain significance for Cardiovascular phenotype. Last evaluated: 2022-04-23. Review status: criteria provided, single submitter. Criteria: Ambry Variant Classification Scheme 2023. Collection method: clinical testing. Allele origin: germline.
Comment: The p.K107R variant (also known as c.320A>G), located in coding exon 2 of the TBX20 gene, results from an A to G substitution at nucleotide position 320. The lysine at codon 107 is replaced by arginine, an amino acid with highly similar properties. This amino acid position is conserved. In addition, the in silico prediction for this alteration is inconclusive. Since supporting evidence is limited at this time, the clinical significance of this alteration remains unclear.